The following is an entry in ClinVar:

ClinVar aggregate classification (germline): Uncertain significance (1 of 4 stars; one submission).

Conditions:
Emery-Dreifuss muscular dystrophy 4, autosomal dominant (EDMD4). Also called: EMERY-DREIFUSS MUSCULAR DYSTROPHY 4 WITH VARIABLE FEATURES. Identifiers: Orphanet 261, MedGen C2751807, MONDO:0013071, OMIM 612998.
Autosomal recessive ataxia, Beauce type. Also called: SYNE1-Related Autosomal Recessive Cerebellar Ataxia; Spinocerebellar ataxia, autosomal recessive 8; ATAXIA, RECESSIVE, OF BEAUCE; SYNE1 Deficiency. Identifiers: Orphanet 88644, MedGen C1853116, MONDO:0012549, OMIM 610743.

gnomAD v4.1: 1 of 1,614,028 alleles (0.000062%); highest among the groups gnomAD compares: Non-Finnish European, 0.000085%; no homozygotes.

Submission:

Labcorp Genetics (formerly Invitae), Labcorp
Classification: Uncertain significance for Emery-Dreifuss muscular dystrophy 4, autosomal dominant; Autosomal recessive ataxia, Beauce type. Last evaluated: 2021-12-02. Review status: criteria provided, single submitter. Criteria: Invitae Variant Classification Sherloc (09022015). Collection method: clinical testing. Allele origin: germline.
Comment: In summary, the available evidence is currently insufficient to determine the role of this variant in disease. Therefore, it has been classified as a Variant of Uncertain Significance. Algorithms developed to predict the effect of missense changes on protein structure and function (SIFT, PolyPhen-2, Align-GVGD) all suggest that this variant is likely to be disruptive. This variant has not been reported in the literature in individuals affected with SYNE1-related conditions. This variant is not present in population databases (gnomAD no frequency). This sequence change replaces aspartic acid, which is acidic and polar, with valine, which is neutral and non-polar, at codon 7314 of the SYNE1 protein (p.Asp7314Val).

NM_182961.4(SYNE1):c.22154A>T (p.Asp7385Val)

Gene: SYNE1 (spectrin repeat containing nuclear envelope protein 1; minus strand). Cytogenetic location: 6q25.2.
Variant type: single nucleotide variant.
Coding change: c.22154A>T on transcript NM_182961.4 (MANE Select); coding-DNA position 22154, A replaced by T.
Protein change: p.Asp7385Val; replaces aspartic acid 7385 with valine.
Molecular consequence: missense variant.
Genome position (GRCh38, 1-based): chr6:152,218,294, T>A on the plus strand (A>T on the coding strand, the complement: SYNE1 is on the minus strand). VCF-style: chr6-152218294-T-A. GRCh37 (hg19) VCF-style: chr6-152539429-T-A.
Other names: c.21941A>T, p.Asp7314Val (NM_033071.5); short protein forms D7385V, D7314V.
Identifiers: ClinVar variation 1388611 (VCV001388611.8), dbSNP rs2153454164, ClinGen allele CA366102353.